The following is an entry in ClinVar:

ClinVar aggregate classification (germline): Pathogenic (1 of 4 stars; one submission).

Conditions:
Osteogenesis imperfecta type I (OI1). Also called: Lobstein's Disease; OI, TYPE I; OSTEOGENESIS IMPERFECTA TARDA; OSTEOGENESIS IMPERFECTA WITH BLUE SCLERAE; Lobstein disease; Osteogenesis imperfecta type 1. Identifiers: Orphanet 216796, Orphanet 666, MedGen C0023931, MONDO:0008146, OMIM 166200. Disease mechanism: loss of function.

Submission:

Labcorp Genetics (formerly Invitae), Labcorp
Classification: Pathogenic for Osteogenesis imperfecta type I. Last evaluated: 2025-10-26. Review status: criteria provided, single submitter. Criteria: Invitae Variant Classification Sherloc (09022015). Collection method: clinical testing. Allele origin: germline.
Comment: This sequence change creates a premature translational stop signal (p.Arg131*) in the COL1A1 gene. It is expected to result in an absent or disrupted protein product. Loss-of-function variants in COL1A1 are known to be pathogenic (PMID: 7942841, 9295084, 9443882). This variant is not present in population databases (gnomAD no frequency). This premature translational stop signal has been observed in individuals with osteogenesis imperfecta (PMID: 26627451, 27132807, 27335225). ClinVar contains an entry for this variant (Variation ID: 961895). For these reasons, this variant has been classified as Pathogenic.

Literature cited by the submitters: PubMed 7942841; PubMed 9295084; PubMed 9443882; PubMed 26627451; PubMed 27132807; PubMed 27335225.

NM_000088.4(COL1A1):c.391C>T (p.Arg131Ter)

Gene: COL1A1 (collagen type I alpha 1 chain; minus strand). Cytogenetic location: 17q21.33.
Variant type: single nucleotide variant.
Coding change: c.391C>T on transcript NM_000088.4 (MANE Select); coding-DNA position 391, C replaced by T.
Protein change: p.Arg131Ter; replaces arginine 131 with a stop codon.
Molecular consequence: nonsense.
Genome position (GRCh38, 1-based): chr17:50,199,306, G>A on the plus strand (C>T on the coding strand, the complement: COL1A1 is on the minus strand). VCF-style: chr17-50199306-G-A. GRCh37 (hg19) VCF-style: chr17-48276667-G-A.
Other names: short protein forms R131*.
Identifiers: ClinVar variation 961895 (VCV000961895.10), dbSNP rs776611767, ClinGen allele CA400227482.